The following is an entry in ClinVar:

NM_001012614.2(CTBP1):c.162+192C>G

Gene: CTBP1 (C-terminal binding protein 1; minus strand). Cytogenetic location: 4p16.3.
Variant type: single nucleotide variant.
Coding change: c.162+192C>G on transcript NM_001012614.2 (MANE Select); 192 bases into the intron after coding-DNA position 162, C replaced by G.
Molecular consequence: intron variant.
Genome position (GRCh38, 1-based): chr4:1,237,991, G>C on the plus strand (C>G on the coding strand, the complement: CTBP1 is on the minus strand). VCF-style: chr4-1237991-G-C. GRCh37 (hg19) VCF-style: chr4-1231779-G-C.
Other names: c.162+192C>G (NM_001377192.1, NM_001377189.1, NM_001377193.1 and 4 more transcripts); c.195+192C>G (NM_001328.3, NM_001377186.1).
Identifiers: ClinVar variation 4872639 (VCV004872639.2).

ClinVar aggregate classification (germline): Likely benign (1 of 4 stars; one submission).

gnomAD v4.1: 1,010 of 764,650 alleles (0.13%); highest among the groups gnomAD compares: African/African-American, 1.5%; 4 homozygotes.

Submission:

CeGaT Center for Human Genetics Tuebingen
Classification: Likely benign. Last evaluated: 2026-06-01. Review status: criteria provided, single submitter. Criteria: CeGaT Center For Human Genetics Tuebingen Variant Classification Criteria Version 2. Collection method: clinical testing. Allele origin: germline. Affected: yes. Observed: 1 variant allele.
Comment: CTBP1: PP2, BP4, BS1